The following is an entry in ClinVar:

ClinVar aggregate classification (germline): Pathogenic (1 of 4 stars; one submission).

Conditions:
Desmin-related myofibrillar myopathy (MFM1). Also called: MYOFIBRILLAR MYOPATHY WITH ARRHYTHMOGENIC RIGHT VENTRICULAR CARDIOMYOPATHY; DESMIN-RELATED MYOPATHY WITH ARRHYTHMOGENIC RIGHT VENTRICULAR CARDIOMYOPATHY; Myofibrillar myopathy 1; Desminopathy; Desmin related myopathy (former name); Desmin storage myopathy (former name). Identifiers: Orphanet 363543, Orphanet 98909, MedGen C1832370, MONDO:0011076, OMIM 601419.

Submission:

Labcorp Genetics (formerly Invitae), Labcorp
Classification: Pathogenic for Desmin-related myofibrillar myopathy. Last evaluated: 2020-01-13. Review status: criteria provided, single submitter. Criteria: Invitae Variant Classification Sherloc (09022015). Collection method: clinical testing. Allele origin: germline.
Comment: Loss-of-function variants in DES are known to be pathogenic (PMID: 23575897). This variant has not been reported in the literature in individuals with DES-related conditions. This variant is not present in population databases (ExAC no frequency). This sequence change creates a premature translational stop signal (p.Thr104Argfs*37) in the DES gene. It is expected to result in an absent or disrupted protein product. For these reasons, this variant has been classified as Pathogenic.

Literature cited by the submitters: PubMed 23575897.

NM_001927.4(DES):c.309del (p.Thr104fs)

Gene: DES (desmin; plus strand). Cytogenetic location: 2q35.
Variant type: Deletion.
Coding change: c.309del on transcript NM_001927.4 (MANE Select); coding-DNA position 309, one base deleted (C; older notation c.309delC).
Protein change: p.Thr104fs; shifts the reading frame from threonine 104.
Molecular consequence: frameshift variant.
Genome position (GRCh38, 1-based): chr2:219,418,771, C deleted; the last of 2 consecutive C bases (chr2:219,418,770-219,418,771); deleting either gives the same sequence. VCF-style (leftmost placement, unchanged base first): chr2-219418769-AC-A. GRCh37 (hg19) VCF-style: chr2-220283491-AC-A.
Other names: c.309del, p.Thr104fs (NM_001382708.1, NM_001382709.1, NM_001382710.1 and 3 more transcripts); short protein forms T104fs.
Identifiers: ClinVar variation 1073348 (VCV001073348.8), dbSNP rs2125166200, ClinGen allele CA2499215678.